The following is an entry in ClinVar:

NC_000004.11:g.(?_20568865)_(20570647_?)del

Gene: SLIT2 (slit guidance ligand 2; plus strand). Cytogenetic location: 4p15.31.
Variant type: Deletion.
Identifiers: ClinVar variation 2425225 (VCV002425225.4).

ClinVar aggregate classification (germline): Uncertain significance (1 of 4 stars; one submission).

Submission:

Labcorp Genetics (formerly Invitae), Labcorp
Classification: Uncertain significance. Last evaluated: 2022-08-18. Review status: criteria provided, single submitter. Criteria: Invitae Variant Classification Sherloc (09022015). Collection method: clinical testing. Allele origin: germline.
Comment: In summary, the available evidence is currently insufficient to determine the role of this variant in disease. Therefore, it has been classified as a Variant of Uncertain Significance. Experimental studies and prediction algorithms are not available or were not evaluated, and the functional significance of this variant is currently unknown. This variant has not been reported in the literature in individuals affected with SLIT2-related conditions. This variant is a gross deletion of the genomic region encompassing exon(s) 27-29 of the SLIT2 gene. This variant would be expected to be in-frame, preserving the integrity of the reading frame.